The following is an entry in ClinVar:

NM_001122769.3(LCA5):c.516_519del (p.Lys172fs)

Gene: LCA5 (lebercilin LCA5; minus strand). Cytogenetic location: 6q14.1.
Variant type: Deletion.
Coding change: c.516_519del on transcript NM_001122769.3 (MANE Select); coding-DNA positions 516 to 519, 4 bases deleted (AGAA; older notation c.516_519delAGAA).
Protein change: p.Lys172fs; shifts the reading frame from lysine 172.
Molecular consequence: frameshift variant.
Genome position (GRCh38, 1-based): chr6:79,513,413-79,513,416, TTCT deleted on the plus strand (AGAA on the coding strand, the reverse complement: LCA5 is on the minus strand); deleting any 4 consecutive bases within chr6:79,513,413-79,513,418 gives the same sequence; the c. name uses the placement nearest the transcript's 3' end. VCF-style (leftmost placement, unchanged base first): chr6-79513412-GTTCT-G. GRCh37 (hg19) VCF-style: chr6-80223129-GTTCT-G.
Other names: c.516_519del, p.Lys172fs (NM_181714.4); short protein forms K172fs.
Identifiers: ClinVar variation 813188 (VCV000813188.13), dbSNP rs1286660951, ClinGen allele CA568599222.

ClinVar aggregate classification (germline): Pathogenic/Likely pathogenic. Review status: criteria provided, multiple submitters, no conflicts (2 of 4 stars). 6 submissions from 6 submitters: Pathogenic (2); Likely pathogenic (4). Last evaluated 2026-03-12.

Conditions:
Leber congenital amaurosis 5 (LCA5). Also called: Amaurosis congenita of Leber, type 5. Identifiers: Orphanet 65, MedGen C1858301, MONDO:0011473, OMIM 604537.
Leber congenital amaurosis (LCA). Also called: Leber's amaurosis. Identifiers: Orphanet 65, MedGen C0339527, MeSH D057130, MONDO:0018998.
LCA5-related disorder. Also called: LCA5-related condition.
Retinitis pigmentosa (RP). Identifiers: Orphanet 791, MedGen C0035334, MeSH D012174, MONDO:0019200, OMIM 268000. Inheritance: Autosomal dominant, autosomal recessive and X linked inheritance.

Submissions (6):

PreventionGenetics, part of Exact Sciences
Classification: Likely pathogenic for LCA5-related condition. Last evaluated: 2026-03-12. Review status: criteria provided, single submitter. Criteria: ACMG Guidelines, 2015. Collection method: clinical testing. Allele origin: germline.
Comment: The LCA5 c.516_519delAGAA variant is predicted to result in a frameshift and premature protein termination (p.Lys172Asnfs*3). This variant has been reported in an individual with retinitis pigmentosa (Table S1, Weisschuh et al. 2020. PubMed ID: 32531858). This variant is reported in 0.00088% of alleles in individuals of European (Non-Finnish) descent in gnomAD. Frameshift variants in LCA5 are expected to be pathogenic. This variant is interpreted as likely pathogenic.

Labcorp Genetics (formerly Invitae), Labcorp
Classification: Pathogenic. Last evaluated: 2025-08-07. Review status: criteria provided, single submitter. Criteria: Invitae Variant Classification Sherloc (09022015). Collection method: clinical testing. Allele origin: germline.
Comment: This sequence change creates a premature translational stop signal (p.Lys172Asnfs*3) in the LCA5 gene. It is expected to result in an absent or disrupted protein product. Loss-of-function variants in LCA5 are known to be pathogenic (PMID: 17546029, 23946133). This variant is present in population databases (no rsID available, gnomAD 0.0009%). This variant has not been reported in the literature in individuals affected with LCA5-related conditions. ClinVar contains an entry for this variant (Variation ID: 813188). For these reasons, this variant has been classified as Pathogenic.

Natera, Inc.
Classification: Likely pathogenic for Leber congenital amaurosis type 5. Last evaluated: 2025-07-29. Review status: criteria provided, single submitter. Criteria: Natera Variant Classification Schema (03/2026). Collection method: clinical testing. Allele origin: germline.
Comment: The c.516_519delAGAA variant in LCA5 is a frameshift variant predicted to shift the reading frame beginning at codon 172 and leads to a stop codon 3 codons downstream. This variant is expected to result in nonsense mediated decay, truncation, or a dysfunctional protein product. This variant is rare in the general population with a frequency below the threshold expected for the associated phenotype(s). Given the available evidence, this variant is classified as Likely Pathogenic.

Women's Health and Genetics/Laboratory Corporation of America, LabCorp
Classification: Likely pathogenic for Leber congenital amaurosis. Last evaluated: 2022-08-16. Review status: criteria provided, single submitter. Criteria: LabCorp Variant Classification Summary - May 2015. Collection method: clinical testing. Allele origin: germline.
Comment: Variant summary: LCA5 c.516_519delAGAA (p.Lys172AsnfsX3) results in a premature termination codon, predicted to cause a truncation of the encoded protein or absence of the protein due to nonsense mediated decay, which are commonly known mechanisms for disease. Truncations downstream of this position have been classified as pathogenic withing ClinVar (e.g. c.763C>T [p.Arg255Ter], c.838C>T [p.Arg280Ter]). The variant allele was found at a frequency of 4e-06 in 250850 control chromosomes (gnomAD). c.516_519delAGAA has been reported in the literature in at least one compound heterozygous individual affected with sporadic retinitis pigmentosa (e.g. Weisschuh_2020), however this individual did not have a diagnosis of Leber Congenital Amaurosis. To our knowledge, no experimental evidence demonstrating an impact on protein function has been reported. Two clinical diagnostic laboratories have submitted clinical-significance assessments for this variant to ClinVar after 2014 and both classified the variant as pathogenic. Based on the evidence outlined above, the variant was classified as likely pathogenic.

Blueprint Genetics
Classification: Likely pathogenic for LCA5-related disorders. Last evaluated: 2022-05-06. Review status: criteria provided, single submitter. Criteria: ACMG Guidelines, 2015. Collection method: clinical testing. Allele origin: germline. Affected: yes. Observed: 1 variant allele.

Molecular Genetics Laboratory, Institute for Ophthalmic Research
Classification: Pathogenic for Retinitis pigmentosa. Last evaluated: 2020-01-09. Review status: criteria provided, single submitter. Criteria: ACMG Guidelines, 2015. Collection method: research. Allele origin: germline. Affected: yes.

Literature cited by the submitters: PubMed 17546029 (cited by Labcorp Genetics (formerly Invitae), Labcorp); PubMed 23946133 (cited by Labcorp Genetics (formerly Invitae), Labcorp); PubMed 32531858 (cited by Women's Health and Genetics/Laboratory Corporation of America, LabCorp).